The following is an entry in ClinVar:

NM_206933.4(USH2A):c.3692G>A (p.Ser1231Asn)

Genes: USH2A (usherin; minus strand), USH2A-AS1 (USH2A antisense RNA 1; plus strand). Cytogenetic location: 1q41.
Variant type: single nucleotide variant.
Coding change: c.3692G>A on transcript NM_206933.4 (MANE Select); coding-DNA position 3692, G replaced by A.
Protein change: p.Ser1231Asn; replaces serine 1231 with asparagine.
Molecular consequence: missense variant.
Genome position (GRCh38, 1-based): chr1:216,199,746, C>T on the plus strand (G>A on the coding strand, the complement: USH2A is on the minus strand). VCF-style: chr1-216199746-C-T. GRCh37 (hg19) VCF-style: chr1-216373088-C-T.
Other names: c.3692G>A, p.Ser1231Asn (NM_007123.6); short protein forms S1231N.
Identifiers: ClinVar variation 813247 (VCV000813247.4), dbSNP rs747578300, ClinGen allele CA1395939.

ClinVar aggregate classification (germline): Conflicting classifications of pathogenicity. Review status: criteria provided, conflicting classifications (1 of 4 stars). 4 submissions from 4 submitters: Pathogenic (1); Uncertain significance (3). Last evaluated 2026-03-12.

Conditions:
Retinitis pigmentosa (RP). Identifiers: Orphanet 791, MedGen C0035334, MeSH D012174, MONDO:0019200, OMIM 268000. Inheritance: Autosomal dominant, autosomal recessive and X linked inheritance.

Allele frequency attached by ClinVar (database versions not stated): gnomAD exomes 0.00001 and 0.00002; ExAC 0.00003.
gnomAD v4.1: 11 of 1,614,078 alleles (0.00068%); highest among the groups gnomAD compares: Middle Eastern, 0.017%; no homozygotes.

Submissions (4):

GeneDx
Classification: Uncertain significance. Last evaluated: 2026-03-12. Review status: criteria provided, single submitter. Criteria: GeneDx Variant Classification Process June 2021. Collection method: clinical testing. Allele origin: germline.
Comment: Identified in a patient belonging to a cohort of individuals with inherited retinal dystrophy in published literature (PMID: 32531858); In silico analysis suggests that this missense variant does not alter protein structure/function; This variant is associated with the following publications: (PMID: 32531858)

Blueprint Genetics
Classification: Uncertain significance. Last evaluated: 2023-12-06. Review status: criteria provided, single submitter. Criteria: ACMG Guidelines, 2015. Collection method: clinical testing. Allele origin: germline.

Labcorp Genetics (formerly Invitae), Labcorp
Classification: Uncertain significance. Last evaluated: 2022-08-23. Review status: criteria provided, single submitter. Criteria: Invitae Variant Classification Sherloc (09022015). Collection method: clinical testing. Allele origin: germline.
Comment: This sequence change replaces serine, which is neutral and polar, with asparagine, which is neutral and polar, at codon 1231 of the USH2A protein (p.Ser1231Asn). This variant is present in population databases (rs747578300, gnomAD 0.009%). This variant has not been reported in the literature in individuals affected with USH2A-related conditions. ClinVar contains an entry for this variant (Variation ID: 813247). Algorithms developed to predict the effect of missense changes on protein structure and function are either unavailable or do not agree on the potential impact of this missense change (SIFT: "Deleterious"; PolyPhen-2: "Probably Damaging"; Align-GVGD: "Class C0"). In summary, the available evidence is currently insufficient to determine the role of this variant in disease. Therefore, it has been classified as a Variant of Uncertain Significance.

Molecular Genetics Laboratory, Institute for Ophthalmic Research
Classification: Pathogenic for Retinitis pigmentosa. Last evaluated: 2020-01-09. Review status: criteria provided, single submitter. Criteria: ACMG Guidelines, 2015. Collection method: research. Allele origin: germline. Affected: yes.